The following is an entry in ClinVar:

ClinVar aggregate classification (germline): Uncertain significance. Review status: criteria provided, multiple submitters, no conflicts (2 of 4 stars). 2 submissions from 2 submitters: Uncertain significance (2). Last evaluated 2025-08-10.

Conditions:
Inborn genetic diseases. Identifiers: MedGen C0950123, MeSH D030342.

Allele frequency attached by ClinVar (database versions not stated): gnomAD 0.00001 and 0.00003; TOPMed 0.00001; gnomAD exomes 0.00003 and 0.00004; ExAC 0.00004; 1000 Genomes Project 30x 0.00016; 1000 Genomes Project 0.00020.
gnomAD v4.1: 47 of 1,613,508 alleles (0.0029%); highest among the groups gnomAD compares: South Asian, 0.024%; no homozygotes.

Submissions (2):

Ambry Genetics
Classification: Uncertain significance for Inborn genetic diseases. Last evaluated: 2025-08-10. Review status: criteria provided, single submitter. Criteria: Ambry Variant Classification Scheme 2023. Collection method: clinical testing. Allele origin: germline.

Labcorp Genetics (formerly Invitae), Labcorp
Classification: Uncertain significance. Last evaluated: 2021-12-03. Review status: criteria provided, single submitter. Criteria: Invitae Variant Classification Sherloc (09022015). Collection method: clinical testing. Allele origin: germline.
Comment: This sequence change replaces arginine, which is basic and polar, with tryptophan, which is neutral and slightly polar, at codon 3540 of the PCLO protein (p.Arg3540Trp). This variant is present in population databases (rs542081704, gnomAD 0.02%). This variant has not been reported in the literature in individuals affected with PCLO-related conditions. Algorithms developed to predict the effect of missense changes on protein structure and function are either unavailable or do not agree on the potential impact of this missense change (SIFT: "Deleterious"; PolyPhen-2: "Not Available"; Align-GVGD: "Class C0"). In summary, the available evidence is currently insufficient to determine the role of this variant in disease. Therefore, it has been classified as a Variant of Uncertain Significance.

NM_033026.6(PCLO):c.10618C>T (p.Arg3540Trp)

Gene: PCLO (piccolo presynaptic cytomatrix protein; minus strand). Cytogenetic location: 7q21.11.
Variant type: single nucleotide variant.
Coding change: c.10618C>T on transcript NM_033026.6 (MANE Select); coding-DNA position 10618, C replaced by T.
Protein change: p.Arg3540Trp; replaces arginine 3540 with tryptophan.
Molecular consequence: missense variant.
Genome position (GRCh38, 1-based): chr7:82,949,970, G>A on the plus strand (C>T on the coding strand, the complement: PCLO is on the minus strand). VCF-style: chr7-82949970-G-A. GRCh37 (hg19) VCF-style: chr7-82579286-G-A.
Other names: c.10618C>T, p.Arg3540Trp (NM_014510.3); c.10618C>T (NM_033026.5); short protein forms R3540W.
Identifiers: ClinVar variation 1407527 (VCV001407527.4), dbSNP rs542081704, ClinGen allele CA4319716.
Genomic context (GRCh38, chr7:82,949,970, plus strand): 5'-AAGTCTTTTCAGGTGCTGAAATGTGTTTAATTATTTCTACCTTGGCATCCACTCGTGCCC[G>A]TATGGAGGGTGTTCTTATGGTTCCAACTGGTTCAGTTTGCACAGATATCTCTGCTACCGT-3'
Protein context (NP_149015.2, residues 3530-3550): PVGTIRTPSI[Arg3540Trp]ARVDAKVEII